The following is an entry in ClinVar:

ClinVar aggregate classification (germline): Uncertain significance (1 of 4 stars; one submission).

Conditions:
Hypertrophic cardiomyopathy. Also called: HYPERTROPHIC MYOCARDIOPATHY. Identifiers: Orphanet 217569, MedGen C0007194, MeSH D002312, MONDO:0005045, HP:0001639.

Allele frequency attached by ClinVar (database versions not stated): gnomAD exomes below 0.00001 and 0.00001; TOPMed below 0.00001; gnomAD 0.00001.

Submission:

Labcorp Genetics (formerly Invitae), Labcorp
Classification: Uncertain significance for Hypertrophic cardiomyopathy. Last evaluated: 2024-04-25. Review status: criteria provided, single submitter. Criteria: Invitae Variant Classification Sherloc (09022015). Collection method: clinical testing. Allele origin: germline.
Comment: This sequence change replaces serine, which is neutral and polar, with asparagine, which is neutral and polar, at codon 149 of the MYOM1 protein (p.Ser149Asn). This variant is present in population databases (no rsID available, gnomAD 0.007%). This variant has not been reported in the literature in individuals affected with MYOM1-related conditions. ClinVar contains an entry for this variant (Variation ID: 943094). Algorithms developed to predict the effect of missense changes on protein structure and function output the following: SIFT: "Not Available"; PolyPhen-2: "Benign"; Align-GVGD: "Not Available". The asparagine amino acid residue is found in multiple mammalian species, which suggests that this missense change does not adversely affect protein function. In summary, the available evidence is currently insufficient to determine the role of this variant in disease. Therefore, it has been classified as a Variant of Uncertain Significance.

NM_003803.4(MYOM1):c.446G>A (p.Ser149Asn)

Gene: MYOM1 (myomesin 1; minus strand). Cytogenetic location: 18p11.31.
Variant type: single nucleotide variant.
Coding change: c.446G>A on transcript NM_003803.4 (MANE Select); coding-DNA position 446, G replaced by A.
Protein change: p.Ser149Asn; replaces serine 149 with asparagine.
Molecular consequence: missense variant.
Genome position (GRCh38, 1-based): chr18:3,189,073, C>T on the plus strand (G>A on the coding strand, the complement: MYOM1 is on the minus strand). VCF-style: chr18-3189073-C-T. GRCh37 (hg19) VCF-style: chr18-3189071-C-T.
Other names: c.446G>A, p.Ser149Asn (NM_019856.2); short protein forms S149N.
Identifiers: ClinVar variation 943094 (VCV000943094.9), dbSNP rs1474122021, ClinGen allele CA401717080.
Genomic context (GRCh38, chr18:3,189,073, plus strand): 5'-CTCTGGGCTATATAAGCAGCAGCTTCTTTAATTCTTTCTTCTTCCGTATCAGTAATTCCA[C>T]TGACATGCTTTTGACTAAAACACAACAATGGCAAAATGTAGATGTTGTGGATGGCAGTGA-3'
Protein context (NP_003794.3, residues 139-159): PIFSGRQKHV[Ser149Asn]GITDTEEERI